The following is an entry in ClinVar:

NM_000030.3(AGXT):c.528C>A (p.Tyr176Ter)

Gene: AGXT (alanine--glyoxylate aminotransferase; plus strand). Cytogenetic location: 2q37.3.
Variant type: single nucleotide variant.
Coding change: c.528C>A on transcript NM_000030.3 (MANE Select); coding-DNA position 528, C replaced by A.
Protein change: p.Tyr176Ter; replaces tyrosine 176 with a stop codon.
Molecular consequence: nonsense.
Genome position (GRCh38, 1-based): chr2:240,872,982, C>A. VCF-style: chr2-240872982-C-A. GRCh37 (hg19) VCF-style: chr2-241812399-C-A.
Other names: short protein forms Y176*.
Identifiers: ClinVar variation 1725119 (VCV001725119.2), dbSNP rs2106429448, ClinGen allele CA351316499.

ClinVar aggregate classification (germline): Likely pathogenic (1 of 4 stars; one submission).

Conditions:
Primary hyperoxaluria, type I (HP1). Also called: GLYCOLIC ACIDURIA; HEPATIC AGT DEFICIENCY; Primary hyperoxaluria type 1; OXALOSIS I. Identifiers: Orphanet 416, Orphanet 93598, MedGen C0268164, MONDO:0009823, OMIM 259900. Disease mechanism: loss of function.

Submission:

Myriad Genetics, Inc.
Classification: Likely pathogenic for Primary hyperoxaluria, type I. Last evaluated: 2022-03-08. Review status: criteria provided, single submitter. Criteria: Myriad Women's Health Autosomal Recessive and X-Linked Classification Criteria (2021). Collection method: clinical testing. Allele origin: unknown.
Comment: NM_000030.2(AGXT):c.528C>A(Y176*) is expected to be pathogenic in the context of primary hyperoxaluria type 1. This variant is predicted to lead to an abnormal or absent protein product due to the creation of a premature termination codon in AGXT, a gene where loss-of-function variants are known to be pathogenic. Please note: this variant was assessed in the context of healthy population screening.